The following is an entry in ClinVar:

NM_000501.4(ELN):c.1994-13C>T

Gene: ELN (elastin; plus strand). Cytogenetic location: 7q11.23.
Variant type: single nucleotide variant.
Coding change: c.1994-13C>T on transcript NM_000501.4 (MANE Select); 13 bases into the intron before coding-DNA position 1994, C replaced by T.
Molecular consequence: intron variant.
Genome position (GRCh38, 1-based): chr7:74,065,681, C>T. VCF-style: chr7-74065681-C-T. GRCh37 (hg19) VCF-style: chr7-73480011-C-T.
Other names: c.2009-13C>T (NM_001081754.3); c.1952-13C>T (NM_001081753.3); c.2180-13C>T (NM_001278939.2); c.2012-13C>T (NM_001278915.2); c.1994-13C>T (NM_001278912.2); c.1937-13C>T (NM_001081755.3); c.1850-13C>T (NM_001278916.2); c.1751-13C>T (NM_001278913.2); and 4 more.
Identifiers: ClinVar variation 508994 (VCV000508994.10), dbSNP rs532271061, ClinGen allele CA4293341.
Genomic context (GRCh38, chr7:74,065,681, plus strand): 5'-AAAAAAAAAAAAAAGACAGGGCCTGACAGGTGGCATTGGCATTCCTGAGCCGTCATGTGC[C>T]TCATCTCCCCAGGTATACCTCCAGCTGCAGCCGCTAAAGCAGCTAAATACGGTGAGTTCC-3'

ClinVar aggregate classification (germline): Likely benign. Review status: criteria provided, multiple submitters, no conflicts (2 of 4 stars). 3 submissions from 3 submitters: Likely benign (3). Last evaluated 2026-01-27.

Conditions:
Supravalvar aortic stenosis (SVAS). Also called: Supravalvar aortic stenosis, Eisenberg type. Identifiers: Orphanet 3193, MedGen C0003499, MONDO:0008504, OMIM 185500, HP:0004381.

Allele frequency attached by ClinVar (database versions not stated): ExAC 0.00001; gnomAD 0.00001; gnomAD exomes 0.00003 and 0.00006; TOPMed 0.00003; 1000 Genomes Project 0.00020; 1000 Genomes Project 30x 0.00031.
gnomAD v4.1: 86 of 1,613,804 alleles (0.0053%); highest among the groups gnomAD compares: Admixed American, 0.0083%; no homozygotes.

Submissions (3):

Labcorp Genetics (formerly Invitae), Labcorp
Classification: Likely benign for Supravalvar aortic stenosis. Last evaluated: 2026-01-27. Review status: criteria provided, single submitter. Criteria: Invitae Variant Classification Sherloc (09022015). Collection method: clinical testing. Allele origin: germline.

Blueprint Genetics
Classification: Likely benign. Last evaluated: 2024-04-25. Review status: criteria provided, single submitter. Criteria: ACMG Guidelines, 2015. Collection method: clinical testing. Allele origin: germline.

GeneDx
Classification: Likely benign. Last evaluated: 2017-04-13. Review status: criteria provided, single submitter. Criteria: GeneDx Variant Classification (06012015). Collection method: clinical testing. Allele origin: germline. Affected: yes.
Comment: This variant is considered likely benign or benign based on one or more of the following criteria: it is a conservative change, it occurs at a poorly conserved position in the protein, it is predicted to be benign by multiple in silico algorithms, and/or has population frequency not consistent with disease.